The following is an entry in ClinVar:

ClinVar aggregate classification (germline): Benign/Likely benign. Review status: criteria provided, multiple submitters, no conflicts (2 of 4 stars). 4 submissions from 4 submitters: Benign (1); Likely benign (3). Last evaluated 2026-03-26.

Conditions:
Hereditary cancer-predisposing syndrome. Also called: Neoplastic Syndromes, Hereditary; Tumor predisposition; Hereditary Cancer Syndrome; Hereditary neoplastic syndrome. Identifiers: Orphanet 140162, MedGen C0027672, MeSH D009386, MONDO:0015356.
Peutz-Jeghers syndrome (PJS). Also called: POLYPOSIS, HAMARTOMATOUS INTESTINAL; POLYPS-AND-SPOTS SYNDROME; Peutz-Jeghers polyposis; Periorificial lentiginosis syndrome. Identifiers: Orphanet 2869, MedGen C0031269, MeSH D010580, MONDO:0008280, OMIM 175200.

Submissions (4):

Ambry Genetics
Classification: Likely benign for Hereditary cancer-predisposing syndrome. Last evaluated: 2026-03-26. Review status: criteria provided, single submitter. Criteria: Ambry Variant Classification Scheme 2023. Collection method: clinical testing. Allele origin: germline.

Color Diagnostics, LLC DBA Color Health
Classification: Likely benign for Hereditary cancer-predisposing syndrome. Last evaluated: 2025-08-30. Review status: criteria provided, single submitter. Criteria: ACMG Guidelines, 2015. Collection method: clinical testing. Allele origin: germline.

Myriad Genetics, Inc.
Classification: Benign for Peutz-Jeghers syndrome. Last evaluated: 2025-03-27. Review status: criteria provided, single submitter. Criteria: Myriad Autosomal Dominant, Autosomal Recessive and X-Linked Classification Criteria (2023). Collection method: clinical testing. Allele origin: unknown.
Comment: This variant is considered benign. This variant is a silent/synonymous amino acid change and it is not expected to impact splicing.

Labcorp Genetics (formerly Invitae), Labcorp
Classification: Likely benign for Peutz-Jeghers syndrome. Last evaluated: 2022-05-19. Review status: criteria provided, single submitter. Criteria: Invitae Variant Classification Sherloc (09022015). Collection method: clinical testing. Allele origin: germline.

NM_000455.5(STK11):c.856C>T (p.Leu286=)

Gene: STK11 (serine/threonine kinase 11; plus strand). Cytogenetic location: 19p13.3.
Variant type: single nucleotide variant.
Coding change: c.856C>T on transcript NM_000455.5 (MANE Select); coding-DNA position 856, C replaced by T.
Protein change: p.Leu286=; no amino-acid change (leucine 286 retained).
Molecular consequence: synonymous variant. On other transcripts: non-coding transcript variant (1).
Genome position (GRCh38, 1-based): chr19:1,221,334, C>T. VCF-style: chr19-1221334-C-T. GRCh37 (hg19) VCF-style: chr19-1221333-C-T.
Other names: c.856C>T, p.Leu286= (NM_001407255.1).
Identifiers: ClinVar variation 1996570 (VCV001996570.7), dbSNP rs2145427271, ClinGen allele CA504707347.